The following is an entry in ClinVar:

NM_015178.3(RHOBTB2):c.1412A>G (p.Glu471Gly)

Gene: RHOBTB2 (Rho related BTB domain containing 2; plus strand). Cytogenetic location: 8p21.3.
Variant type: single nucleotide variant.
Coding change: c.1412A>G on transcript NM_015178.3 (MANE Select); coding-DNA position 1412, A replaced by G.
Protein change: p.Glu471Gly; replaces glutamic acid 471 with glycine.
Molecular consequence: missense variant.
Genome position (GRCh38, 1-based): chr8:23,007,657, A>G. VCF-style: chr8-23007657-A-G. GRCh37 (hg19) VCF-style: chr8-22865170-A-G.
Other names: c.1478A>G, p.Glu493Gly (NM_001160036.2); c.1433A>G, p.Glu478Gly (NM_001160037.2); c.1412A>G, p.Glu471Gly (NM_001374791.1); short protein forms E471G, E493G, E478G.
Identifiers: ClinVar variation 1409696 (VCV001409696.12), dbSNP rs2128805026, ClinGen allele CA370569050.

ClinVar aggregate classification (germline): Conflicting classifications of pathogenicity. Review status: criteria provided, conflicting classifications (1 of 4 stars). 2 submissions from 2 submitters: Likely pathogenic (1); Uncertain significance (1). Last evaluated 2026-01-01.

Submissions (2):

CeGaT Center for Human Genetics Tuebingen
Classification: Likely pathogenic. Last evaluated: 2026-01-01. Review status: criteria provided, single submitter. Criteria: CeGaT Center For Human Genetics Tuebingen Variant Classification Criteria Version 2. Collection method: clinical testing. Allele origin: germline. Affected: yes. Observed: 1 variant allele.
Comment: RHOBTB2: PM2, PM5, PS2:Moderate, PP2

Labcorp Genetics (formerly Invitae), Labcorp
Classification: Uncertain significance. Last evaluated: 2021-02-16. Review status: criteria provided, single submitter. Criteria: Invitae Variant Classification Sherloc (09022015). Collection method: clinical testing. Allele origin: germline.
Comment: This sequence change replaces glutamic acid with glycine at codon 493 of the RHOBTB2 protein (p.Glu493Gly). The glutamic acid residue is highly conserved and there is a moderate physicochemical difference between glutamic acid and glycine. This variant is not present in population databases (ExAC no frequency). This variant has not been reported in the literature in individuals with RHOBTB2-related conditions. Algorithms developed to predict the effect of missense changes on protein structure and function are either unavailable or do not agree on the potential impact of this missense change (SIFT: "Tolerated"; PolyPhen-2: "Probably Damaging"; Align-GVGD: "Class C0"). In summary, the available evidence is currently insufficient to determine the role of this variant in disease. Therefore, it has been classified as a Variant of Uncertain Significance.